The following is an entry in ClinVar:

ClinVar aggregate classification (germline): Uncertain significance (1 of 4 stars; one submission).

Conditions:
PKHD1-related disorder. Also called: PKHD1-related condition.

gnomAD v4.1: 13 of 1,613,758 alleles (0.00081%); highest among the groups gnomAD compares: South Asian, 0.0055%; no homozygotes.

Submission:

PreventionGenetics, part of Exact Sciences
Classification: Uncertain significance for PKHD1-related condition. Last evaluated: 2025-11-19. Review status: criteria provided, single submitter. Criteria: ACMG Guidelines, 2015. Collection method: clinical testing. Allele origin: germline.
Comment: The PKHD1 c.8424C>T variant is not predicted to result in an amino acid change (p.=). To our knowledge, this variant has not been reported in the literature. This variant is reported in 0.0062% of alleles in individuals of African descent in gnomAD. At this time, the clinical significance of this variant is uncertain due to the absence of conclusive functional and genetic evidence.

NM_138694.4(PKHD1):c.8424C>T (p.Gly2808=)

Gene: PKHD1 (PKHD1 ciliary IPT domain containing fibrocystin/polyductin; minus strand). Cytogenetic location: 6p12.3.
Variant type: single nucleotide variant.
Coding change: c.8424C>T on transcript NM_138694.4 (MANE Select); coding-DNA position 8424, C replaced by T.
Protein change: p.Gly2808=; no amino-acid change (glycine 2808 retained).
Molecular consequence: synonymous variant.
Genome position (GRCh38, 1-based): chr6:51,791,252, G>A on the plus strand (C>T on the coding strand, the complement: PKHD1 is on the minus strand). VCF-style: chr6-51791252-G-A. GRCh37 (hg19) VCF-style: chr6-51656050-G-A.
Other names: c.8424C>T, p.Gly2808= (NM_170724.3).
Identifiers: ClinVar variation 4977251 (VCV004977251.1).